The following is an entry in ClinVar:

NM_002180.3(IGHMBP2):c.1295C>T (p.Ala432Val)

Gene: IGHMBP2 (immunoglobulin mu DNA binding protein 2; plus strand). Cytogenetic location: 11q13.3.
Variant type: single nucleotide variant.
Coding change: c.1295C>T on transcript NM_002180.3 (MANE Select); coding-DNA position 1295, C replaced by T.
Protein change: p.Ala432Val; replaces alanine 432 with valine.
Molecular consequence: missense variant.
Genome position (GRCh38, 1-based): chr11:68,933,358, C>T. VCF-style: chr11-68933358-C-T. GRCh37 (hg19) VCF-style: chr11-68700826-C-T.
Other names: short protein forms A432V.
Identifiers: ClinVar variation 245837 (VCV000245837.21), dbSNP rs370414354, ClinGen allele CA6153597.
Genomic context (GRCh38, chr11:68,933,358, plus strand): 5'-GGGCTGCGCTGGCAGGACTGTCACTCAGCCTGATGGAACGCCTGGCTGAGGAGTACGGCG[C>T]GAGGGTGGTGCGGACACTGACGGTGCAGTACCGCATGCACCAGGCTATCATGCGCTGGGC-3'
Protein context (NP_002171.2, residues 422-442): LMERLAEEYG[Ala432Val]RVVRTLTVQY

ClinVar aggregate classification (germline): Conflicting classifications of pathogenicity. Review status: criteria provided, conflicting classifications (1 of 4 stars). 6 submissions from 6 submitters: Uncertain significance (5); Likely benign (1). Last evaluated 2026-09-16.

Conditions:
IGHMBP2-related disorder. Also called: IGHMBP2-related condition; IGHMBP2-related disorders.
Inborn genetic diseases. Identifiers: MedGen C0950123, MeSH D030342.
Charcot-Marie-Tooth disease axonal type 2S. Also called: CHARCOT-MARIE-TOOTH DISEASE, AXONAL, AUTOSOMAL RECESSIVE, TYPE 2S; CHARCOT-MARIE-TOOTH NEUROPATHY, TYPE 2S. Identifiers: Orphanet 443073, MedGen C4015349, MONDO:0014511, OMIM 616155.
Autosomal recessive distal spinal muscular atrophy 1. Also called: NEURONOPATHY, DISTAL HEREDITARY MOTOR, HARDING TYPE VI; NEUROPATHY, DISTAL HEREDITARY MOTOR, AUTOSOMAL RECESSIVE 1; NEURONOPATHY, SEVERE INFANTILE AXONAL, WITH RESPIRATORY FAILURE; HMN VI; SEVERE INFANTILE AXONAL NEUROPATHY WITH RESPIRATORY FAILURE; SPINAL MUSCULAR ATROPHY, DIAPHRAGMATIC. Identifiers: Orphanet 98920, MedGen C1858517, MONDO:0011436, OMIM 604320.

Allele frequency attached by ClinVar (database versions not stated): gnomAD exomes 0.00005 and 0.00008; gnomAD 0.00008 and 0.00009; TOPMed 0.00008; ExAC 0.00013; ESP Exome Variant Server 0.00015.

Submissions (6):

PreventionGenetics, part of Exact Sciences
Classification: Uncertain significance for IGHMBP2-related condition. Last evaluated: 2026-09-16. Review status: criteria provided, single submitter. Criteria: ACMG Guidelines, 2015. Collection method: clinical testing. Allele origin: germline.
Comment: The IGHMBP2 c.1295C>T variant is predicted to result in the amino acid substitution p.Ala432Val. To our knowledge, this variant has not been reported in the literature. This variant is reported in 0.013% of alleles in individuals of European (Non-Finnish) descent in gnomAD. At this time, the clinical significance of this variant is uncertain due to the absence of conclusive functional and genetic evidence.

Labcorp Genetics (formerly Invitae), Labcorp
Classification: Likely benign for Autosomal recessive distal spinal muscular atrophy 1; Charcot-Marie-Tooth disease axonal type 2S. Last evaluated: 2025-06-24. Review status: criteria provided, single submitter. Criteria: Invitae Variant Classification Sherloc (09022015). Collection method: clinical testing. Allele origin: germline.

Ambry Genetics
Classification: Uncertain significance for Inborn genetic diseases. Last evaluated: 2020-11-12. Review status: criteria provided, single submitter. Criteria: Ambry Variant Classification Scheme 2023. Collection method: clinical testing. Allele origin: germline.
Comment: The p.A432V variant (also known as c.1295C>T), located in coding exon 9 of the IGHMBP2 gene, results from a C to T substitution at nucleotide position 1295. The alanine at codon 432 is replaced by valine, an amino acid with similar properties. This amino acid position is poorly conserved in available vertebrate species. In addition, this alteration is predicted to be tolerated by in silico analysis. Since supporting evidence is limited at this time, the clinical significance of this alteration remains unclear.

Revvity Omics, Revvity
Classification: Uncertain significance. Last evaluated: 2019-07-10. Review status: criteria provided, single submitter. Criteria: ACMG Guidelines, 2015. Collection method: clinical testing. Allele origin: germline.

Fulgent Genetics
Classification: Uncertain significance for Autosomal recessive distal spinal muscular atrophy 1; Charcot-Marie-Tooth disease axonal type 2S. Last evaluated: 2018-10-31. Review status: criteria provided, single submitter. Criteria: ACMG Guidelines, 2015. Collection method: clinical testing. Allele origin: unknown.

GeneDx
Classification: Uncertain significance. Last evaluated: 2015-08-05. Review status: criteria provided, single submitter. Criteria: GeneDx Variant Classification (06012015). Collection method: clinical testing. Allele origin: germline. Affected: yes.
Comment: The A432V variant in the IGHMBP2 gene has not been reported previously as a pathogenic variant, nor as a benign variant, to our knowledge. The A432V variant was not observed at any significant frequency in approximately 6500 individuals of European and African American ancestry in the NHLBI Exome Sequencing Project, indicating it is not a common variant in these populations. The A432V variant is a conservative amino acid substitution, which occurs at a position that is not conserved across species. In silico analysis predicts this variant likely does not alter the protein structure/function. We interpret A432V as a variant of unknown significance.